The following is an entry in ClinVar:

ClinVar aggregate classification (germline): Likely benign. Review status: criteria provided, multiple submitters, no conflicts (2 of 4 stars). 4 submissions from 4 submitters: Likely benign (4). Last evaluated 2025-05-26.

Conditions:
Cardiovascular phenotype. Identifiers: MedGen CN230736.
Catecholaminergic polymorphic ventricular tachycardia (CVPT). Also called: Catecholamine-induced polymorphic ventricular tachycardia. Identifiers: Orphanet 3286, MedGen C5574922, MONDO:0017990.
Cardiomyopathy (CMYO). Also called: Cardiomyopathies. Identifiers: Orphanet 167848, MedGen C0878544, MONDO:0004994, HP:0001638. Inheritance: Various modes of inheritance.
Catecholaminergic polymorphic ventricular tachycardia 1. Also called: VENTRICULAR TACHYCARDIA, CATECHOLAMINERGIC POLYMORPHIC, 1, WITH OR WITHOUT ATRIAL DYSFUNCTION AND/OR DILATED CARDIOMYOPATHY; RYR2-Related Catecholaminergic Polymorphic Ventricular Tachycardia; VENTRICULAR TACHYCARDIA, STRESS-INDUCED POLYMORPHIC 1. Identifiers: Orphanet 3286, MedGen C1631597, MONDO:0011484, OMIM 604772.

Allele frequency attached by ClinVar (database versions not stated): TOPMed below 0.00001.
gnomAD v4.1: 6 of 1,599,884 alleles (0.00038%); highest among the groups gnomAD compares: Non-Finnish European, 0.00051%; no homozygotes.

Submissions (4):

Labcorp Genetics (formerly Invitae), Labcorp
Classification: Likely benign for Catecholaminergic polymorphic ventricular tachycardia 1. Last evaluated: 2025-05-26. Review status: criteria provided, single submitter. Criteria: Invitae Variant Classification Sherloc (09022015). Collection method: clinical testing. Allele origin: germline.

Ambry Genetics
Classification: Likely benign for Cardiovascular phenotype. Last evaluated: 2025-03-03. Review status: criteria provided, single submitter. Criteria: Ambry Variant Classification Scheme 2023. Collection method: clinical testing. Allele origin: germline.

All of Us Research Program, National Institutes of Health
Classification: Likely benign for Catecholaminergic polymorphic ventricular tachycardia. Last evaluated: 2023-12-13. Review status: criteria provided, single submitter. Criteria: ACMG Guidelines, 2015. Collection method: clinical testing. Allele origin: germline. Inheritance: Autosomal dominant inheritance. Observed: 2 variant alleles, 2 heterozygotes.
Comment: This study involves interpretation of variants in research participants for the purpose of population health screening. Participant phenotype was not available at the time of variant classification. Additional details can be found in publication PMID: 35346344, PMCID: PMC8962531

Color Diagnostics, LLC DBA Color Health
Classification: Likely benign for Cardiomyopathy. Last evaluated: 2019-07-09. Review status: criteria provided, single submitter. Criteria: ACMG Guidelines, 2015. Collection method: clinical testing. Allele origin: germline.

NM_001035.3(RYR2):c.14136C>T (p.Val4712=)

Gene: RYR2 (ryanodine receptor 2; plus strand). Cytogenetic location: 1q43.
Variant type: single nucleotide variant.
Coding change: c.14136C>T on transcript NM_001035.3 (MANE Select); coding-DNA position 14136, C replaced by T.
Protein change: p.Val4712=; no amino-acid change (valine 4712 retained).
Molecular consequence: synonymous variant.
Genome position (GRCh38, 1-based): chr1:237,801,901, C>T. VCF-style: chr1-237801901-C-T. GRCh37 (hg19) VCF-style: chr1-237965201-C-T.
Other names: c.14136C>T (NM_001035.2).
Identifiers: ClinVar variation 918200 (VCV000918200.7), dbSNP rs756435572, ClinGen allele CA424051577.
Genomic context (GRCh38, chr1:237,801,901, plus strand): 5'-TTTTTGTCATTGCAGACTGAACTCCATTGATGTGAAGTATCAGATGTGGAAACTAGGAGT[C>T]GTTTTCACTGACAACGTAAGCCTACTTCATTATCACAAAAGAAAATGCACTCTGATTAGA-3'
Protein context (NP_001026.2, residues 4702-4722): DVKYQMWKLG[Val4712=]VFTDNSFLYL